The following is an entry in ClinVar:

ClinVar aggregate classification (germline): Uncertain significance (1 of 4 stars; one submission).

Conditions:
FG syndrome (FGS). Identifiers: MedGen C0220769, MONDO:0002010.

Submission:

Labcorp Genetics (formerly Invitae), Labcorp
Classification: Uncertain significance for FG syndrome. Last evaluated: 2025-02-23. Review status: criteria provided, single submitter. Criteria: Invitae Variant Classification Sherloc (09022015). Collection method: clinical testing. Allele origin: germline.
Comment: This sequence change replaces valine, which is neutral and non-polar, with glutamic acid, which is acidic and polar, at codon 797 of the MED12 protein (p.Val797Glu). This variant is not present in population databases (gnomAD no frequency). This variant has not been reported in the literature in individuals affected with MED12-related conditions. Invitae Evidence Modeling of protein sequence and biophysical properties (such as structural, functional, and spatial information, amino acid conservation, physicochemical variation, residue mobility, and thermodynamic stability) indicates that this missense variant is not expected to disrupt MED12 protein function with a negative predictive value of 95%. In summary, the available evidence is currently insufficient to determine the role of this variant in disease. Therefore, it has been classified as a Variant of Uncertain Significance.

NM_005120.3(MED12):c.2390T>A (p.Val797Glu)

Gene: MED12 (mediator complex subunit 12; plus strand). Cytogenetic location: Xq13.1.
Variant type: single nucleotide variant.
Coding change: c.2390T>A on transcript NM_005120.3 (MANE Select); coding-DNA position 2390, T replaced by A.
Protein change: p.Val797Glu; replaces valine 797 with glutamic acid.
Molecular consequence: missense variant.
Genome position (GRCh38, 1-based): chrX:71,125,681, T>A. VCF-style: chrX-71125681-T-A. GRCh37 (hg19) VCF-style: chrX-70345531-T-A.
Other names: short protein forms V797E.
Identifiers: ClinVar variation 4801067 (VCV004801067.1).